The following is an entry in ClinVar:

ClinVar aggregate classification (germline): Uncertain significance. Review status: criteria provided, multiple submitters, no conflicts (2 of 4 stars). 2 submissions from 2 submitters: Uncertain significance (2). Last evaluated 2023-11-14.

Allele frequency attached by ClinVar (database versions not stated): gnomAD exomes below 0.00001.
gnomAD v4.1: 1 of 1,614,172 alleles (0.000062%); no homozygotes.

Submissions (2):

Ambry Genetics
Classification: Uncertain significance. Last evaluated: 2023-11-14. Review status: criteria provided, single submitter. Criteria: Ambry Variant Classification Scheme 2023. Collection method: clinical testing. Allele origin: germline.

Labcorp Genetics (formerly Invitae), Labcorp
Classification: Uncertain significance. Last evaluated: 2022-02-25. Review status: criteria provided, single submitter. Criteria: Invitae Variant Classification Sherloc (09022015). Collection method: clinical testing. Allele origin: germline.
Comment: In summary, the available evidence is currently insufficient to determine the role of this variant in disease. Therefore, it has been classified as a Variant of Uncertain Significance. Algorithms developed to predict the effect of missense changes on protein structure and function output the following: SIFT: "Tolerated"; PolyPhen-2: "Possibly Damaging"; Align-GVGD: "Class C0". The isoleucine amino acid residue is found in multiple mammalian species, which suggests that this missense change does not adversely affect protein function. This variant has not been reported in the literature in individuals affected with MYLK3-related conditions. This variant is not present in population databases (gnomAD no frequency). This sequence change replaces valine, which is neutral and non-polar, with isoleucine, which is neutral and non-polar, at codon 752 of the MYLK3 protein (p.Val752Ile).

NM_182493.3(MYLK3):c.2254G>A (p.Val752Ile)

Gene: MYLK3 (myosin light chain kinase 3; minus strand). Cytogenetic location: 16q11.2.
Variant type: single nucleotide variant.
Coding change: c.2254G>A on transcript NM_182493.3 (MANE Select); coding-DNA position 2254, G replaced by A.
Protein change: p.Val752Ile; replaces valine 752 with isoleucine.
Molecular consequence: missense variant.
Genome position (GRCh38, 1-based): chr16:46,710,650, C>T on the plus strand (G>A on the coding strand, the complement: MYLK3 is on the minus strand). VCF-style: chr16-46710650-C-T. GRCh37 (hg19) VCF-style: chr16-46744562-C-T.
Other names: c.1231G>A, p.Val411Ile (NM_001308301.1); c.2254G>A (NM_182493.2); short protein forms V411I, V752I.
Identifiers: ClinVar variation 1907000 (VCV001907000.6), dbSNP rs2548898001, ClinGen allele CA395786409.
Genomic context (GRCh38, chr16:46,710,650, plus strand): 5'-GGGGTCCCCATCAGAAGGGCCCATGAGTGACAAGCAATGAAAGGTACCTCTTCTCTTTGA[C>T]CAGCAACCGGGAAACAAAGTCCTTGGCCTCCTCCGAGAGCCCTTCAAAGGTGTCAGCATC-3'
Protein context (NP_872299.2, residues 742-762): EAKDFVSRLL[Val752Ile]KEKSCRMSAT